The following is an entry in ClinVar:

ClinVar aggregate classification (germline): Likely benign (1 of 4 stars; one submission).

Submission:

CeGaT Center for Human Genetics Tuebingen
Classification: Likely benign. Last evaluated: 2024-10-01. Review status: criteria provided, single submitter. Criteria: CeGaT Center For Human Genetics Tuebingen Variant Classification Criteria Version 2. Collection method: clinical testing. Allele origin: germline. Affected: yes. Observed: 1 variant allele.
Comment: MAP1B: BP4, BP7

NM_005909.5(MAP1B):c.1668C>T (p.Ser556=)

Gene: MAP1B (microtubule associated protein 1B; plus strand). Cytogenetic location: 5q13.2.
Variant type: single nucleotide variant.
Coding change: c.1668C>T on transcript NM_005909.5 (MANE Select); coding-DNA position 1668, C replaced by T.
Protein change: p.Ser556=; no amino-acid change (serine 556 retained).
Molecular consequence: synonymous variant.
Genome position (GRCh38, 1-based): chr5:72,195,023, C>T. VCF-style: chr5-72195023-C-T. GRCh37 (hg19) VCF-style: chr5-71490850-C-T.
Other names: c.1290C>T, p.Ser430= (NM_001324255.2).
Identifiers: ClinVar variation 3389284 (VCV003389284.14).
Genomic context (GRCh38, chr5:72,195,023, plus strand): 5'-ACAGAGGGCTGATAGCCGAGAAAGTCTGAAGCCAGCCGCAAAACCACTTCCTAGCAAATC[C>T]GTGCGCAAGGAGTCAAAAGAAGAAACCCCTGAGGTCACAAAAGTGAATCACGTGGAAAAG-3'
Protein context (NP_005900.2, residues 546-566): KPAAKPLPSK[Ser556=]VRKESKEETP